The following is an entry in ClinVar:

ClinVar aggregate classification (germline): Conflicting classifications of pathogenicity. Review status: criteria provided, conflicting classifications (1 of 4 stars). 2 submissions from 2 submitters: Uncertain significance (1); Likely benign (1). Last evaluated 2023-03-23.

Conditions:
Hereditary cancer-predisposing syndrome. Also called: Tumor predisposition; Hereditary neoplastic syndrome; Neoplastic Syndromes, Hereditary; Hereditary Cancer Syndrome. Identifiers: Orphanet 140162, MedGen C0027672, MeSH D009386, MONDO:0015356.

Submissions (2):

University of Washington Department of Laboratory Medicine, University of Washington
Classification: Likely benign for Hereditary cancer-predisposing syndrome. Last evaluated: 2023-03-23. Review status: criteria provided, single submitter. Criteria: Dines et al. (Genet Med. 2020). Collection method: curation. Allele origin: germline.
Comment: Missense variant in a coldspot region where missense variants are very unlikely to be pathogenic (PMID:31911673).

BRCA1 coldspot (exon 11 using historical exon numbering). Reclassification based on statistical prior probability

Ambry Genetics
Classification: Uncertain significance for Hereditary cancer-predisposing syndrome. Last evaluated: 2018-04-11. Review status: criteria provided, single submitter. Criteria: Ambry Variant Classification Scheme 2023. Collection method: clinical testing. Allele origin: germline.
Comment: The p.E479Q variant (also known as c.1435G>C), located in coding exon 9 of the BRCA1 gene, results from a G to C substitution at nucleotide position 1435. The glutamic acid at codon 479 is replaced by glutamine, an amino acid with highly similar properties. This amino acid position is well conserved in available vertebrate species. In addition, this alteration is predicted to be deleterious by in silico analysis. Since supporting evidence is limited at this time, the clinical significance of this alteration remains unclear.

NM_007294.4(BRCA1):c.1435G>C (p.Glu479Gln)

Gene: BRCA1 (BRCA1 DNA repair associated; minus strand). Cytogenetic location: 17q21.31.
Variant type: single nucleotide variant.
Coding change: c.1435G>C on transcript NM_007294.4 (MANE Select); coding-DNA position 1435, G replaced by C.
Protein change: p.Glu479Gln; replaces glutamic acid 479 with glutamine.
Molecular consequence: missense variant. On other transcripts: intron variant (137).
Genome position (GRCh38, 1-based): chr17:43,094,096, C>G on the plus strand (G>C on the coding strand, the complement: BRCA1 is on the minus strand). VCF-style: chr17-43094096-C-G. GRCh37 (hg19) VCF-style: chr17-41246113-C-G.
Other names: c.1432G>C, p.Glu478Gln (NM_001407611.1, NM_001407612.1, NM_001407614.1 and 22 more transcripts); c.1435G>C, p.Glu479Gln (NM_001407619.1, NM_001407616.1, NM_001407617.1 and 30 more transcripts); c.1294G>C, p.Glu432Gln (NM_001407726.1, NM_001407727.1, NM_001407728.1 and 29 more transcripts); c.1291G>C, p.Glu431Gln (NM_001407740.1, NM_001407741.1, NM_001407742.1 and 20 more transcripts); c.1222G>C, p.Glu408Gln (NM_001407853.1, NM_001407894.1, NM_001407895.1 and 9 more transcripts); c.1234G>C, p.Glu412Gln (NM_001407862.1); c.1312G>C, p.Glu438Gln (NM_001407863.1, NM_001407919.1, NM_001407937.1 and 19 more transcripts); c.1231G>C, p.Glu411Gln (NM_001407874.1, NM_001407875.1); and 40 more; short protein forms E479Q, E432Q, E183Q, E351Q, E412Q, E431Q, E437Q, E352Q.
Identifiers: ClinVar variation 819208 (VCV000819208.7), dbSNP rs1064794100, ClinGen allele CA10599174.